The following is an entry in ClinVar:

ClinVar aggregate classification (germline): Uncertain significance (1 of 4 stars; one submission).

Submission:

Labcorp Genetics (formerly Invitae), Labcorp
Classification: Uncertain significance. Last evaluated: 2025-06-27. Review status: criteria provided, single submitter. Criteria: Invitae Variant Classification Sherloc (09022015). Collection method: clinical testing. Allele origin: germline.
Comment: This sequence change replaces lysine, which is basic and polar, with arginine, which is basic and polar, at codon 113 of the EFNB1 protein (p.Lys113Arg). This variant is not present in population databases (gnomAD no frequency). This missense change has been observed in individual(s) with craniofrontonasal syndrome (internal data). Invitae Evidence Modeling of protein sequence and biophysical properties (such as structural, functional, and spatial information, amino acid conservation, physicochemical variation, residue mobility, and thermodynamic stability) indicates that this missense variant is expected to disrupt EFNB1 protein function with a positive predictive value of 80%. This variant disrupts the p.Lys113 amino acid residue in EFNB1. Other variant(s) that disrupt this residue have been determined to be pathogenic (PMID: 16685650; internal data). This suggests that this residue is clinically significant, and that variants that disrupt this residue are likely to be disease-causing. In summary, the available evidence is currently insufficient to determine the role of this variant in disease. Therefore, it has been classified as a Variant of Uncertain Significance.

Literature cited by the submitters: PubMed 16685650.

NM_004429.5(EFNB1):c.338A>G (p.Lys113Arg)

Gene: EFNB1 (ephrin B1; plus strand). Cytogenetic location: Xq13.1.
Variant type: single nucleotide variant.
Coding change: c.338A>G on transcript NM_004429.5 (MANE Select); coding-DNA position 338, A replaced by G.
Protein change: p.Lys113Arg; replaces lysine 113 with arginine.
Molecular consequence: missense variant.
Genome position (GRCh38, 1-based): chrX:68,838,826, A>G. VCF-style: chrX-68838826-A-G. GRCh37 (hg19) VCF-style: chrX-68058669-A-G.
Other names: short protein forms K113R.
Identifiers: ClinVar variation 4740560 (VCV004740560.1).